The following is an entry in ClinVar:

NM_000169.3(GLA):c.801+3A>G

Genes: GLA (galactosidase alpha; minus strand), RPL36A-HNRNPH2 (RPL36A-HNRNPH2 readthrough; plus strand). Cytogenetic location: Xq22.1.
Variant type: single nucleotide variant.
Coding change: c.801+3A>G on transcript NM_000169.3 (MANE Select); 3 bases into the intron after coding-DNA position 801, A replaced by G.
Molecular consequence: intron variant.
Genome position (GRCh38, 1-based): chrX:101,398,782, T>C on the plus strand (A>G on the coding strand, the complement: GLA is on the minus strand). VCF-style: chrX-101398782-T-C. GRCh37 (hg19) VCF-style: chrX-100653770-T-C.
Other names: c.300+3325T>C (NM_001199973.2); c.177+6960T>C (NM_001199974.2); c.924+3A>G (NM_001406747.1); c.801+3A>G (NM_001406748.1).
Identifiers: ClinVar variation 197639 (VCV000197639.13), dbSNP rs797044748, ClinGen allele CA022074.

ClinVar aggregate classification (germline): Pathogenic/Likely pathogenic. Review status: criteria provided, multiple submitters, no conflicts (2 of 4 stars). 6 submissions from 6 submitters: Pathogenic (4); Likely pathogenic (2). Last evaluated 2026-09-08.

Conditions:
Fabry disease. Also called: Ceramide trihexosidosis; Angiokeratoma corporis diffusum; ALPHA-GALACTOSIDASE A DEFICIENCY; ANDERSON-FABRY DISEASE; Fabry's disease; CERAMIDE TRIHEXOSIDASE DEFICIENCY. Identifiers: Orphanet 324, MedGen C0002986, MONDO:0010526, OMIM 301500, HP:0001071. Disease mechanism: Fabry disease is due to inactivating mutations in the X-linked GLA gene resulting in deficiency of the enzyme Alpha Galactosidase-A., loss of function.

Submissions (6):

Genomenon, Inc
Classification: Pathogenic for Fabry disease. Last evaluated: 2026-09-08. Review status: criteria provided, single submitter. Criteria: Genomenon Sequence Variant Interpretation Standards - Updated. Collection method: curation. Allele origin: germline. Affected: yes.
Comment: GLA c.801+3A>G is an intronic variant located in the donor splice region of intron 5. This variant has been observed in at least one proband with clinical features consistent with Fabry disease (PMID:15806320;16595074;35338595). Functional or patient cell studies have been reported (PMID:35338595;16595074). At least one splicing study has demonstrated that this variant results in aberrant splicing (PMID:37254000;16595074;15806320). It is absent or not present at a significant frequency in gnomAD. In conclusion, we classify GLA c.801+3A>G as a pathogenic variant.

GeneDx
Classification: Likely pathogenic. Last evaluated: 2025-06-10. Review status: criteria provided, single submitter. Criteria: GeneDx Variant Classification Process June 2021. Collection method: clinical testing. Allele origin: germline. Affected: yes.
Comment: Published functional studies demonstrate a damaging effect with two abnormal transcripts and no normal transcript detected (PMID: 16595074); Not observed at significant frequency in large population cohorts (gnomAD); In silico analysis is inconclusive as to whether the variant alters gene splicing. In the absence of RNA/functional studies, the actual effect of this sequence change is unknown.; This variant is associated with the following publications: (PMID: 15806320, 16595074, 35338595, 27657681)

Mayo Clinic Laboratories, Mayo Clinic
Classification: Likely pathogenic. Last evaluated: 2025-02-28. Review status: criteria provided, single submitter. Criteria: ACMG Guidelines, 2015. Collection method: clinical testing. Allele origin: germline. Observed: 1 variant allele.
Comment: PP4, PM2_supporting, PS3, PS4_moderate

Genome-Nilou Lab
Classification: Pathogenic for Fabry disease. Last evaluated: 2021-07-15. Review status: criteria provided, single submitter. Criteria: ACMG Guidelines, 2015. Collection method: clinical testing. Allele origin: germline. Affected: no.

Women's Health and Genetics/Laboratory Corporation of America, LabCorp
Classification: Pathogenic for Fabry disease. Last evaluated: 2019-03-13. Review status: criteria provided, single submitter. Criteria: LabCorp Variant Classification Summary - May 2015. Collection method: clinical testing. Allele origin: germline.
Comment: Variant summary: GLA c.801+3A>G alters a conserved nucleotide located close to a canonical splice site and therefore could affect mRNA splicing, leading to a significantly altered protein sequence. Several computational tools predict a significant impact on normal splicing: Three predict the variant abolishes a 5' splicing donor site. Two predict the variant weakens a 5' donor site. At least one publication reports experimental evidence that this variant affects mRNA splicing, reporting a 36-nucleotide insertion of intron sequence into the mRNA (Dobrovolny_2005). The variant was absent in 178758 control chromosomes. c.801+3A>G has been reported in the literature in individuals affected with Fabry Disease (Dobrovolny_2005, Shabbeer_2006). One clinical diagnostic laboratory has submitted clinical-significance assessments for this variant to ClinVar in 2014 without evidence for independent evaluation, and it was classified as pathogenic. Based on the evidence outlined above, the variant was classified as pathogenic.

Eurofins Ntd Llc (ga)
Classification: Pathogenic. Last evaluated: 2014-08-12. Review status: criteria provided, single submitter. Criteria: EGL Classification Definitions 2015. Collection method: clinical testing. Allele origin: germline. Observed: 2 variant alleles, 2 heterozygotes.

Literature cited by the submitters: PubMed 15806320 (cited by 3 submitters); PubMed 16595074 (cited by 3 submitters); PubMed 35338595 (cited by Genomenon, Inc and Mayo Clinic Laboratories, Mayo Clinic); PubMed 37254000 (cited by Genomenon, Inc and Mayo Clinic Laboratories, Mayo Clinic); PubMed 15712228 (cited by Women's Health and Genetics/Laboratory Corporation of America, LabCorp).